The following is an entry in ClinVar:

ClinVar aggregate classification (germline): Benign/Likely benign. Review status: criteria provided, multiple submitters, no conflicts (2 of 4 stars). 4 submissions from 4 submitters: Benign (1); Likely benign (2). 1 of the submissions does not count toward it. Last evaluated 2020-12-15.

Conditions:
LPA-related disorder. Also called: LPA-related condition.
Myofibrillar myopathy 6. Identifiers: Orphanet 199340, MedGen C2751831, MONDO:0013061, OMIM 612954.

Allele frequency attached by ClinVar (database versions not stated): ExAC 0.00888; ESP Exome Variant Server 0.02104; gnomAD 0.02122 and 0.02249; 1000 Genomes Project 0.02157; 1000 Genomes Project 30x 0.02405; TOPMed 0.02495.
gnomAD v4.1: 10,081 of 1,613,738 alleles (0.62%); highest among the groups gnomAD compares: African/African-American, 6.3%; 205 homozygotes.

Submissions (4):

GeneDx
Classification: Benign. Last evaluated: 2020-12-15. Review status: criteria provided, single submitter. Criteria: GeneDx Variant Classification Process June 2021. Collection method: clinical testing. Allele origin: germline. Affected: yes.
Comment: This variant is associated with the following publications: (PMID: 27535533, 27884173, 23685560)

Breakthrough Genomics
Classification: Likely benign. Review status: criteria provided, single submitter. Criteria: ACMG Guidelines, 2015. Collection method: not provided. Allele origin: germline. Inheritance: Autosomal dominant inheritance. Affected: yes.

Broad Center for Mendelian Genomics, Broad Institute of MIT and Harvard
Classification: Likely benign for Myofibrillar myopathy 6. Review status: criteria provided, single submitter. Criteria: ACMG Guidelines, 2015. Collection method: research. Allele origin: germline. Affected: yes.
Comment: The heterozygous p.Asp1719Asp variant has been identified in an individual with high cholesterol (PMID: 23685560), and has been identified in >6% of African chromosomes and 15 homozygotes by ExAC. In summary, although additional studies are required to fully establish its clinical significance, this variant meets criteria to be classified as likely benign for high total cholesterol.

PreventionGenetics, part of Exact Sciences
Classification: Likely benign for LPA-related condition. Last evaluated: 2022-12-13. Review status: no assertion criteria provided. Collection method: clinical testing. Allele origin: germline. Not counted in ClinVar's aggregate classification.
Comment: This variant is classified as likely benign based on ACMG/AMP sequence variant interpretation guidelines (Richards et al. 2015 PMID: 25741868, with internal and published modifications).

Literature cited by the submitters: PubMed 23685560 (cited by Broad Center for Mendelian Genomics, Broad Institute of MIT and Harvard).

NM_005577.4(LPA):c.5157C>T (p.Asp1719=)

Gene: LPA (lipoprotein(a); minus strand). Cytogenetic location: 6q25.3.
Variant type: single nucleotide variant.
Coding change: c.5157C>T on transcript NM_005577.4 (MANE Select); coding-DNA position 5157, C replaced by T.
Protein change: p.Asp1719=; no amino-acid change (aspartic acid 1719 retained).
Molecular consequence: synonymous variant.
Genome position (GRCh38, 1-based): chr6:160,547,936, G>A on the plus strand (C>T on the coding strand, the complement: LPA is on the minus strand). VCF-style: chr6-160547936-G-A. GRCh37 (hg19) VCF-style: chr6-160968968-G-A.
Identifiers: ClinVar variation 979150 (VCV000979150.5), dbSNP rs41264848, ClinGen allele CA4085817.